The following is an entry in ClinVar:

NM_000026.4(ADSL):c.863-20T>G

Gene: ADSL (adenylosuccinate lyase; plus strand). Cytogenetic location: 22q13.1.
Variant type: single nucleotide variant.
Coding change: c.863-20T>G on transcript NM_000026.4 (MANE Select); 20 bases into the intron before coding-DNA position 863, T replaced by G.
Molecular consequence: intron variant.
Genome position (GRCh38, 1-based): chr22:40,361,468, T>G. VCF-style: chr22-40361468-T-G. GRCh37 (hg19) VCF-style: chr22-40757472-T-G.
Other names: c.863-20T>G (NM_001363840.3, NM_001123378.3); c.671-20T>G (NM_001317923.2).
Identifiers: ClinVar variation 515591 (VCV000515591.8), dbSNP rs760407114, ClinGen allele CA10247857.

ClinVar aggregate classification (germline): Likely benign. Review status: criteria provided, multiple submitters, no conflicts (2 of 4 stars). 2 submissions from 2 submitters: Likely benign (2). Last evaluated 2025-10-28.

Conditions:
Adenylosuccinate lyase deficiency (ADSLD). Also called: ADSL DEFICIENCY. Identifiers: Orphanet 46, MedGen C0268126, MONDO:0007068, OMIM 103050.

Allele frequency attached by ClinVar (database versions not stated): gnomAD exomes below 0.00001; ExAC 0.00001.
gnomAD v4.1: 1 of 1,614,200 alleles (0.000062%); highest among the groups gnomAD compares: Admixed American, 0.0017%; no homozygotes.

Submissions (2):

Labcorp Genetics (formerly Invitae), Labcorp
Classification: Likely benign for Adenylosuccinate lyase deficiency. Last evaluated: 2025-10-28. Review status: criteria provided, single submitter. Criteria: Invitae Variant Classification Sherloc (09022015). Collection method: clinical testing. Allele origin: germline.

GeneDx
Classification: Likely benign. Last evaluated: 2018-03-02. Review status: criteria provided, single submitter. Criteria: GeneDx Variant Classification (06012015). Collection method: clinical testing. Allele origin: germline. Affected: yes.
Comment: This variant is considered likely benign or benign based on one or more of the following criteria: it is a conservative change, it occurs at a poorly conserved position in the protein, it is predicted to be benign by multiple in silico algorithms, and/or has population frequency not consistent with disease.